The following is an entry in ClinVar:

ClinVar aggregate classification (germline): Benign/Likely benign. Review status: criteria provided, multiple submitters, no conflicts (2 of 4 stars). 6 submissions from 6 submitters: Benign (4); Likely benign (2). Last evaluated 2026-02-03.

Allele frequency attached by ClinVar (database versions not stated): 1000 Genomes Project 0.01558; 1000 Genomes Project 30x 0.01640; TOPMed 0.02525; ESP Exome Variant Server 0.02968; gnomAD 0.02980 and 0.03107; gnomAD exomes 0.03076 and 0.03755; ExAC 0.03174.
gnomAD v4.1: 59,163 of 1,613,558 alleles (3.7%); highest among the groups gnomAD compares: Non-Finnish European, 4.1%; 1,340 homozygotes.

Submissions (6):

Labcorp Genetics (formerly Invitae), Labcorp
Classification: Benign. Last evaluated: 2026-02-03. Review status: criteria provided, single submitter. Criteria: Invitae Variant Classification Sherloc (09022015). Collection method: clinical testing. Allele origin: germline.

Mayo Clinic Laboratories, Mayo Clinic
Classification: Benign. Last evaluated: 2025-05-21. Review status: criteria provided, single submitter. Criteria: ACMG Guidelines, 2015. Collection method: clinical testing. Allele origin: germline. Observed: 178 variant alleles.

Blueprint Genetics
Classification: Likely benign. Last evaluated: 2024-11-27. Review status: criteria provided, single submitter. Criteria: ACMG Guidelines, 2015. Collection method: clinical testing. Allele origin: germline.

GeneDx
Classification: Benign. Last evaluated: 2020-05-04. Review status: criteria provided, single submitter. Criteria: GeneDx Variant Classification Process June 2021. Collection method: clinical testing. Allele origin: germline. Affected: yes.
Comment: This variant is associated with the following publications: (PMID: 22768050)

Breakthrough Genomics
Classification: Likely benign. Review status: criteria provided, single submitter. Criteria: ACMG Guidelines, 2015. Collection method: not provided. Allele origin: germline. Inheritance: Autosomal recessive inheritance. Affected: yes.

PreventionGenetics, part of Exact Sciences
Classification: Benign. Review status: criteria provided, single submitter. Criteria: ACMG Guidelines, 2015. Collection method: clinical testing. Allele origin: germline.

Literature cited by the submitters: PubMed 16796708 (cited by Mayo Clinic Laboratories, Mayo Clinic); PubMed 22768050 (cited by Mayo Clinic Laboratories, Mayo Clinic); PubMed 34662354 (cited by Mayo Clinic Laboratories, Mayo Clinic).

NM_139027.6(ADAMTS13):c.3097G>A (p.Ala1033Thr)

Gene: ADAMTS13 (ADAM metallopeptidase with thrombospondin type 1 motif 13; plus strand). Cytogenetic location: 9q34.2.
Variant type: single nucleotide variant.
Coding change: c.3097G>A on transcript NM_139027.6 (MANE Select); coding-DNA position 3097, G replaced by A.
Protein change: p.Ala1033Thr; replaces alanine 1033 with threonine.
Molecular consequence: missense variant. On other transcripts: non-coding transcript variant (1).
Genome position (GRCh38, 1-based): chr9:133,454,467, G>A. VCF-style: chr9-133454467-G-A. GRCh37 (hg19) VCF-style: chr9-136319589-G-A.
Other names: c.3097G>A, p.Ala1033Thr (NM_139025.5); c.3004G>A, p.Ala1002Thr (NM_139026.6); c.3097G>A (NM_139025.3); short protein forms A1033T, A1002T.
Identifiers: ClinVar variation 262441 (VCV000262441.17), dbSNP rs28503257, ClinGen allele CA10587044.